The following is an entry in ClinVar:

ClinVar aggregate classification (germline): Pathogenic (1 of 4 stars; one submission).

Conditions:
Hereditary cancer-predisposing syndrome. Also called: Neoplastic Syndromes, Hereditary; Tumor predisposition; Hereditary Cancer Syndrome; Hereditary neoplastic syndrome. Identifiers: Orphanet 140162, MedGen C0027672, MeSH D009386, MONDO:0015356.

Submission:

Ambry Genetics
Classification: Pathogenic for Hereditary cancer-predisposing syndrome. Last evaluated: 2019-03-18. Review status: criteria provided, single submitter. Criteria: Ambry Variant Classification Scheme 2023. Collection method: clinical testing. Allele origin: germline.
Comment: The c.1125dupT pathogenic mutation (also known as p.K376*), located in coding exon 7 of the DICER1 gene, results from a duplication of T at nucleotide position 1125. This changes the amino acid from a lysine to a stop codon within coding exon 7. This alteration is expected to result in loss of function by premature protein truncation or nonsense-mediated mRNA decay. As such, this alteration is interpreted as a disease-causing mutation.

NM_177438.3(DICER1):c.1125dup (p.Lys376Ter)

Gene: DICER1 (dicer 1, ribonuclease III; minus strand). Cytogenetic location: 14q32.13.
Variant type: Duplication.
Coding change: c.1125dup on transcript NM_177438.3 (MANE Select); coding-DNA position 1125, one base duplicated (T; older notation c.1125dupT).
Protein change: p.Lys376Ter; replaces lysine 376 with a stop codon.
Molecular consequence: nonsense. On other transcripts: frameshift variant (2), 5 prime UTR variant (1), non-coding transcript variant (6).
Genome position (GRCh38, 1-based): chr14:95,124,447, A duplicated on the plus strand (T on the coding strand, the reverse complement: DICER1 is on the minus strand). VCF-style (leftmost placement, unchanged base first): chr14-95124446-T-TA. GRCh37 (hg19) VCF-style: chr14-95590783-T-TA.
Other names: c.1125dup, p.Lys376Terfs (NM_001395681.1); c.1125dup, p.Lys376Ter (NM_001395682.1, NM_001395683.1, NM_001395684.1 and 14 more transcripts); c.843dup, p.Lys282Ter (NM_001395686.1); c.720dup, p.Lys241Ter (NM_001395687.1, NM_001395688.1, NM_001395689.1 and 3 more transcripts); c.558dup, p.Lys187Ter (NM_001395691.1); c.-444dup (NM_001395697.1); c.1125dupT (NM_177438.2); short protein forms K187*, K241*, K282*, K376*.
Identifiers: ClinVar variation 1798959 (VCV001798959.2), dbSNP rs2543180159, ClinGen allele CA2580089102.